The following is an entry in ClinVar:

NM_144666.3(DNHD1):c.10757-2A>G

Gene: DNHD1 (dynein heavy chain domain 1; plus strand). Cytogenetic location: 11p15.4.
Variant type: single nucleotide variant.
Coding change: c.10757-2A>G on transcript NM_144666.3 (MANE Select); the canonical splice acceptor site of the intron before coding-DNA position 10757, A replaced by G.
Molecular consequence: splice acceptor variant.
Genome position (GRCh38, 1-based): chr11:6,565,693, A>G. VCF-style: chr11-6565693-A-G. GRCh37 (hg19) VCF-style: chr11-6586923-A-G.
Identifiers: ClinVar variation 2042233 (VCV002042233.1), dbSNP rs377539525, ClinGen allele CA5856533.

ClinVar aggregate classification (germline): Likely pathogenic (1 of 4 stars; one submission).

Allele frequency attached by ClinVar (database versions not stated): ExAC 0.00007.
gnomAD v4.1: 5 of 1,541,238 alleles (0.00032%); highest among the groups gnomAD compares: East Asian, 0.0049%; no homozygotes.

Submission:

Labcorp Genetics (formerly Invitae), Labcorp
Classification: Likely pathogenic. Last evaluated: 2022-06-28. Review status: criteria provided, single submitter. Criteria: Invitae Variant Classification Sherloc (09022015). Collection method: clinical testing. Allele origin: germline.
Comment: This sequence change affects an acceptor splice site in intron 32 of the DNHD1 gene. It is expected to disrupt RNA splicing. Variants that disrupt the donor or acceptor splice site typically lead to a loss of protein function (PMID: 16199547), and loss-of-function variants in DNHD1 are known to be pathogenic (PMID: 34932939). This variant is present in population databases (rs377539525, gnomAD 0.04%). This variant has not been reported in the literature in individuals affected with DNHD1-related conditions. Algorithms developed to predict the effect of sequence changes on RNA splicing suggest that this variant may disrupt the consensus splice site. In summary, the currently available evidence indicates that the variant is pathogenic, but additional data are needed to prove that conclusively. Therefore, this variant has been classified as Likely Pathogenic.

Literature cited by the submitters: PubMed 16199547; PubMed 34932939.